The following is an entry in ClinVar:

NM_152468.5(TMC8):c.1209G>C (p.Lys403Asn)

Gene: TMC8 (transmembrane channel like 8; plus strand). Cytogenetic location: 17q25.3.
Variant type: single nucleotide variant.
Coding change: c.1209G>C on transcript NM_152468.5 (MANE Select); coding-DNA position 1209, G replaced by C.
Protein change: p.Lys403Asn; replaces lysine 403 with asparagine.
Molecular consequence: missense variant.
Genome position (GRCh38, 1-based): chr17:78,137,316, G>C. VCF-style: chr17-78137316-G-C. GRCh37 (hg19) VCF-style: chr17-76133397-G-C.
Other names: short protein forms K403N.
Identifiers: ClinVar variation 1025021 (VCV001025021.9), dbSNP rs76467743, ClinGen allele CA401247904.

ClinVar aggregate classification (germline): Uncertain significance (1 of 4 stars; one submission).

Conditions:
Epidermodysplasia verruciformis. Identifiers: Orphanet 302, MedGen C0014522, MONDO:0009176.

Submission:

Labcorp Genetics (formerly Invitae), Labcorp
Classification: Uncertain significance for Epidermodysplasia verruciformis. Last evaluated: 2025-02-10. Review status: criteria provided, single submitter. Criteria: Invitae Variant Classification Sherloc (09022015). Collection method: clinical testing. Allele origin: germline.
Comment: This sequence change replaces lysine, which is basic and polar, with asparagine, which is neutral and polar, at codon 403 of the TMC8 protein (p.Lys403Asn). This variant is not present in population databases (gnomAD no frequency). This variant has not been reported in the literature in individuals affected with TMC8-related conditions. ClinVar contains an entry for this variant (Variation ID: 1025021). An algorithm developed to predict the effect of missense changes on protein structure and function outputs the following: PolyPhen-2: "Benign". The asparagine amino acid residue is found in multiple mammalian species, which suggests that this missense change does not adversely affect protein function. In summary, the available evidence is currently insufficient to determine the role of this variant in disease. Therefore, it has been classified as a Variant of Uncertain Significance.